The following is an entry in ClinVar:

ClinVar aggregate classification (germline): Uncertain significance (1 of 4 stars; one submission).

Conditions:
Intellectual developmental disorder, autosomal recessive 65. Also called: MENTAL RETARDATION, AUTOSOMAL RECESSIVE 65; Intellectual disability, autosomal recessive 65. Identifiers: MedGen C4748219, MONDO:0020850, OMIM 618109.

gnomAD v4.1: 2 of 1,613,376 alleles (0.00012%); highest among the groups gnomAD compares: Non-Finnish European, 0.00017%; no homozygotes.

Submission:

University of Washington Department of Laboratory Medicine, University of Washington
Classification: Uncertain significance for Intellectual developmental disorder, autosomal recessive 65. Last evaluated: 2023-11-02. Review status: criteria provided, single submitter. Criteria: ACMG Guidelines, 2015. Collection method: clinical testing. Allele origin: maternal. Affected: yes.
Comment: The presence of this variant with a likely disease-causing variant on the opposite allele increases suspicion for its pathogenicity. This variant has been identified in 2/1461060 chromosomes by the Genome Aggregation Database. Although this variant has been seen in the general population, its frequency is low enough to be consistent with a recessive carrier frequency. In silico tools predict that this variant is deleterious; however, these predictions have not been tested directly. Using ACMG guidelines, this variant was classified as a variant of uncertain significance (ACMG evidence codes used: PM3_supporting, PM2_supporting, PP3).

NM_006618.5(KDM5B):c.1559A>G (p.Tyr520Cys)

Gene: KDM5B (lysine demethylase 5B; minus strand). Cytogenetic location: 1q32.1.
Variant type: single nucleotide variant.
Coding change: c.1559A>G on transcript NM_006618.5 (MANE Select); coding-DNA position 1559, A replaced by G.
Protein change: p.Tyr520Cys; replaces tyrosine 520 with cysteine.
Molecular consequence: missense variant.
Genome position (GRCh38, 1-based): chr1:202,753,047, T>C on the plus strand (A>G on the coding strand, the complement: KDM5B is on the minus strand). VCF-style: chr1-202753047-T-C. GRCh37 (hg19) VCF-style: chr1-202722175-T-C.
Other names: c.1667A>G, p.Tyr556Cys (NM_001314042.2); c.1424A>G, p.Tyr475Cys (NM_001347591.2); c.1544A>G, p.Tyr515Cys (NM_001399817.1); c.1559A>G (NM_006618.4); short protein forms Y475C, Y515C, Y520C, Y556C.
Identifiers: ClinVar variation 3777135 (VCV003777135.1).
Genomic context (GRCh38, chr1:202,753,047, plus strand): 5'-TCTGGAGCTAGTTTCTTCATTACATTTTCTAGCTGCTCAGCAGCATACCCTGGGACTCCA[T>C]ACCAGGTTTTTGGCTCACCCCTGGAAATAGATTATAAAAATAAATCAATCTGCAACACCA-3'
Protein context (NP_006609.3, residues 510-530): YLHWGEPKTW[Tyr520Cys]GVPGYAAEQL